The following is an entry in ClinVar:

ClinVar aggregate classification (germline): Likely benign. Review status: criteria provided, multiple submitters, no conflicts (2 of 4 stars). 3 submissions from 3 submitters: Likely benign (3). Last evaluated 2022-08-01.

Allele frequency attached by ClinVar (database versions not stated): ExAC 0.00348; gnomAD exomes 0.00383 and 0.00620; gnomAD 0.00456 and 0.00483; 1000 Genomes Project 0.00459; ESP Exome Variant Server 0.00469; TOPMed 0.00512; 1000 Genomes Project 30x 0.00515.

Submissions (3):

CeGaT Center for Human Genetics Tuebingen
Classification: Likely benign. Last evaluated: 2022-08-01. Review status: criteria provided, single submitter. Criteria: CeGaT Center For Human Genetics Tuebingen Variant Classification Criteria Version 2. Collection method: clinical testing. Allele origin: germline. Affected: yes. Observed: 1 variant allele.
Comment: SPAG5: BP4, BS2

Labcorp Genetics (formerly Invitae), Labcorp
Classification: Likely benign. Last evaluated: 2018-06-20. Review status: criteria provided, single submitter. Criteria: Invitae Variant Classification Sherloc (09022015). Collection method: clinical testing. Allele origin: germline.

Breakthrough Genomics
Classification: Likely benign. Review status: criteria provided, single submitter. Criteria: ACMG Guidelines, 2015. Collection method: not provided. Allele origin: germline. Inheritance: Unknown mechanism. Affected: yes.

NM_006461.4(SPAG5):c.368G>A (p.Gly123Asp)

Gene: SPAG5 (sperm associated antigen 5; minus strand). Cytogenetic location: 17q11.2.
Variant type: single nucleotide variant.
Coding change: c.368G>A on transcript NM_006461.4 (MANE Select); coding-DNA position 368, G replaced by A.
Protein change: p.Gly123Asp; replaces glycine 123 with aspartic acid.
Molecular consequence: missense variant.
Genome position (GRCh38, 1-based): chr17:28,592,876, C>T on the plus strand (G>A on the coding strand, the complement: SPAG5 is on the minus strand). VCF-style: chr17-28592876-C-T. GRCh37 (hg19) VCF-style: chr17-26919894-C-T.
Other names: short protein forms G123D.
Identifiers: ClinVar variation 779281 (VCV000779281.28), dbSNP rs34977204, ClinGen allele CA8461634.
Genomic context (GRCh38, chr17:28,592,876, plus strand): 5'-ATGTCTTGTTGCTGCCCCAGTGGAGATGGTACAAGGACGATGGTTTTAACCATATAATTG[C>T]CCAGTGGGTCTACTGCTTCCTCAGACGTTTTAGGAGTAGAGCTAATTTGGGGAATTGGAT-3'
Protein context (NP_006452.3, residues 113-133): KTSEEAVDPL[Gly123Asp]NYMVKTIVLV